The following is an entry in ClinVar:

NM_020779.4(WDR35):c.2129G>T (p.Arg710Leu)

Gene: WDR35 (WD repeat domain 35; minus strand). Cytogenetic location: 2p24.1.
Variant type: single nucleotide variant.
Coding change: c.2129G>T on transcript NM_020779.4 (MANE Select); coding-DNA position 2129, G replaced by T.
Protein change: p.Arg710Leu; replaces arginine 710 with leucine.
Molecular consequence: missense variant.
Genome position (GRCh38, 1-based): chr2:19,937,881, C>A on the plus strand (G>T on the coding strand, the complement: WDR35 is on the minus strand). VCF-style: chr2-19937881-C-A. GRCh37 (hg19) VCF-style: chr2-20137642-C-A.
Other names: c.2162G>T, p.Arg721Leu (NM_001006657.2); short protein forms R721L, R710L.
Identifiers: ClinVar variation 579031 (VCV000579031.9), dbSNP rs370797645, ClinGen allele CA1543032.

ClinVar aggregate classification (germline): Uncertain significance. Review status: criteria provided, multiple submitters, no conflicts (2 of 4 stars). 4 submissions from 4 submitters: Uncertain significance (4). Last evaluated 2025-06-06.

Conditions:
Short-rib thoracic dysplasia 7 with or without polydactyly (SRTD7). Also called: Short rib polydactyly syndrome 5; SHORT-RIB THORACIC DYSPLASIA 7 WITH POLYDACTYLY. Identifiers: Orphanet 498497, Orphanet 93271, MedGen C3279792, MONDO:0013569, OMIM 614091.
Cranioectodermal dysplasia 2 (CED2). Identifiers: Orphanet 1515, MedGen C3150874, MONDO:0013323, OMIM 613610.
Inborn genetic diseases. Identifiers: MedGen C0950123, MeSH D030342.

Allele frequency attached by ClinVar (database versions not stated): TOPMed 0.00002.
gnomAD v4.1: 14 of 1,614,016 alleles (0.00087%); highest among the groups gnomAD compares: Middle Eastern, 0.066%; no homozygotes.

Submissions (4):

Ambry Genetics
Classification: Uncertain significance for Inborn genetic diseases. Last evaluated: 2025-06-06. Review status: criteria provided, single submitter. Criteria: Ambry Variant Classification Scheme 2023. Collection method: clinical testing. Allele origin: germline.

Blueprint Genetics
Classification: Uncertain significance. Last evaluated: 2024-06-28. Review status: criteria provided, single submitter. Criteria: ACMG Guidelines, 2015. Collection method: clinical testing. Allele origin: germline.

Fulgent Genetics
Classification: Uncertain significance for Cranioectodermal dysplasia 2; Short-rib thoracic dysplasia 7 with or without polydactyly. Last evaluated: 2022-02-28. Review status: criteria provided, single submitter. Criteria: ACMG Guidelines, 2015. Collection method: clinical testing. Allele origin: unknown.

Labcorp Genetics (formerly Invitae), Labcorp
Classification: Uncertain significance for Cranioectodermal dysplasia 2; Short-rib thoracic dysplasia 7 with or without polydactyly. Last evaluated: 2021-08-27. Review status: criteria provided, single submitter. Criteria: Invitae Variant Classification Sherloc (09022015). Collection method: clinical testing. Allele origin: germline.
Comment: This sequence change replaces arginine with leucine at codon 721 of the WDR35 protein (p.Arg721Leu). The arginine residue is moderately conserved and there is a moderate physicochemical difference between arginine and leucine. This variant is present in population databases (rs370797645, ExAC 0.009%). This variant has not been reported in the literature in individuals affected with WDR35-related conditions. Algorithms developed to predict the effect of missense changes on protein structure and function are either unavailable or do not agree on the potential impact of this missense change (SIFT: "Deleterious"; PolyPhen-2: "Benign"; Align-GVGD: "Class C25"). In summary, the available evidence is currently insufficient to determine the role of this variant in disease. Therefore, it has been classified as a Variant of Uncertain Significance.